The following is an entry in ClinVar:

NM_058195.4(CDKN2A):c.82C>T (p.Pro28Ser)

Gene: CDKN2A (cyclin dependent kinase inhibitor 2A; minus strand). Cytogenetic location: 9p21.3.
Variant type: single nucleotide variant.
Coding change: c.82C>T on transcript NM_058195.4 (MANE Plus Clinical); coding-DNA position 82, C replaced by T.
Protein change: p.Pro28Ser; replaces proline 28 with serine.
Molecular consequence: missense variant. On other transcripts: intron variant (1).
Genome position (GRCh38, 1-based): chr9:21,994,250, G>A on the plus strand (C>T on the coding strand, the complement: CDKN2A is on the minus strand). VCF-style: chr9-21994250-G-A. GRCh37 (hg19) VCF-style: chr9-21994249-G-A.
Other names: c.-4+571C>T (NM_001363763.2); short protein forms P28S.
Identifiers: ClinVar variation 660793 (VCV000660793.6), dbSNP rs1587358521, ClinGen allele CA373086978.

ClinVar aggregate classification (germline): Uncertain significance. Review status: criteria provided, multiple submitters, no conflicts (2 of 4 stars). 3 submissions from 3 submitters: Uncertain significance (3). Last evaluated 2024-12-16.

Conditions:
Familial melanoma. Also called: Hereditary melanoma; Hereditary cutaneous melanoma. Identifiers: Orphanet 618, MedGen C1512419, MONDO:0018961.
Hereditary cancer-predisposing syndrome. Also called: Tumor predisposition; Hereditary neoplastic syndrome; Neoplastic Syndromes, Hereditary; Hereditary Cancer Syndrome. Identifiers: Orphanet 140162, MedGen C0027672, MeSH D009386, MONDO:0015356.

Allele frequency attached by ClinVar (database versions not stated): gnomAD 0.00001; TOPMed below 0.00001.

Submissions (3):

GeneDx
Classification: Uncertain significance. Last evaluated: 2024-12-16. Review status: criteria provided, single submitter. Criteria: GeneDx Variant Classification Process June 2021. Collection method: clinical testing. Allele origin: germline. Affected: yes.
Comment: Not observed at significant frequency in large population cohorts (gnomAD); In silico analysis indicates that this missense variant does not alter protein structure/function; Has not been previously published as pathogenic or benign to our knowledge; Reported using an alternate transcript of the gene; This variant is associated with the following publications: (PMID: 9653180, 9529249, 16173922)

Labcorp Genetics (formerly Invitae), Labcorp
Classification: Uncertain significance for Familial melanoma. Last evaluated: 2021-12-05. Review status: criteria provided, single submitter. Criteria: Invitae Variant Classification Sherloc (09022015). Collection method: clinical testing. Allele origin: germline.
Comment: This sequence change replaces proline, which is neutral and non-polar, with serine, which is neutral and polar, at codon 28 of the CDKN2A (p14ARF) protein (p.Pro28Ser). This variant is not present in population databases (gnomAD no frequency). This variant has not been reported in the literature in individuals affected with CDKN2A (p14ARF)-related conditions. ClinVar contains an entry for this variant (Variation ID: 660793). Algorithms developed to predict the effect of missense changes on protein structure and function (SIFT, PolyPhen-2, Align-GVGD) all suggest that this variant is likely to be tolerated. In summary, the available evidence is currently insufficient to determine the role of this variant in disease. Therefore, it has been classified as a Variant of Uncertain Significance.

Ambry Genetics
Classification: Uncertain significance for Hereditary cancer-predisposing syndrome. Last evaluated: 2021-03-24. Review status: criteria provided, single submitter. Criteria: Ambry Variant Classification Scheme 2023. Collection method: clinical testing. Allele origin: germline.
Comment: The p.P28S variant (also known as c.82C>T), located in coding exon 1 of the CDKN2A gene, results from a C to T substitution at nucleotide position 82. The proline at codon 28 is replaced by serine, an amino acid with similar properties. This amino acid position is not well conserved in available vertebrate species. In addition, this alteration is predicted to be tolerated by in silico analysis. Since supporting evidence is limited at this time, the clinical significance of this alteration remains unclear.